The following is an entry in ClinVar:

ClinVar aggregate classification (germline): Uncertain significance. Review status: criteria provided, multiple submitters, no conflicts (2 of 4 stars). 4 submissions from 4 submitters: Uncertain significance (4). Last evaluated 2024-08-20.

Conditions:
Cardiovascular phenotype. Identifiers: MedGen CN230736.

Allele frequency attached by ClinVar (database versions not stated): ExAC 0.00001; gnomAD exomes 0.00001; gnomAD 0.00002 and 0.00003; TOPMed 0.00003.
gnomAD v4.1: 25 of 1,611,026 alleles (0.0016%); highest among the groups gnomAD compares: Non-Finnish European, 0.002%; no homozygotes.

Submissions (4):

ARUP Laboratories, Molecular Genetics and Genomics, ARUP Laboratories
Classification: Uncertain significance. Last evaluated: 2024-08-20. Review status: criteria provided, single submitter. Criteria: ARUP Molecular Germline Variant Investigation Process 2024. Collection method: clinical testing. Allele origin: germline.
Comment: The TTN c.9472G>T; p.Val3158Phe variant (rs748114137), to our knowledge, is not reported in the medical literature but is reported in ClinVar (Variation ID: 519086). This variant is found in the non-Finnish European population with an allele frequency of 0.003% (3/112,762 alleles) in the Genome Aggregation Database (v2.1.1). This variant occurs in the first nucleotide of exon 41, and computational analyses (Alamut v.2.11) predict that this variant may impact splicing by weakening the nearby canonical acceptor splice site, although RNA studies would be required to confirm this. Given the lack of clinical and functional data, the significance of this variant is uncertain at this time.

GeneDx
Classification: Uncertain significance. Last evaluated: 2022-07-18. Review status: criteria provided, single submitter. Criteria: GeneDx Variant Classification Process June 2021. Collection method: clinical testing. Allele origin: germline. Affected: yes.
Comment: Not observed at significant frequency in large population cohorts (gnomAD); In silico analysis suggests this variant may impact gene splicing; however, in the absence of RNA/functional studies, the actual effect of this sequence change is unknown; Has not been previously published as pathogenic or benign to our knowledge

AiLife Diagnostics
Classification: Uncertain significance. Last evaluated: 2021-12-03. Review status: criteria provided, single submitter. Criteria: ACMG Guidelines, 2015. Collection method: clinical testing. Allele origin: germline. Affected: yes. Observed: 1 variant allele.

Ambry Genetics
Classification: Uncertain significance for Cardiovascular phenotype. Last evaluated: 2016-02-12. Review status: criteria provided, single submitter. Criteria: Ambry Variant Classification Scheme 2023. Collection method: clinical testing. Allele origin: germline.
Comment: The p.V3112F variant (also known as c.9334G>T) is located in coding exon 39 of the TTN gene. The valine at codon 3112 is replaced by phenylalanine, an amino acid with highly similar properties. This change occurs in the first base pair of exon 40 which makes it likely to have some effect on normal mRNA splicing. Based on data from ExAC, the T allele was reported in 1 of 120294 (0.0008%) total alleles (Exome Aggregation Consortium (ExAC), Cambridge, MA (URL) [Accessed February 11, 2016]). This variant was not reported in population based cohorts in the following databases: Database of Single Nucleotide Polymorphisms (dbSNP), NHLBI Exome Sequencing Project (ESP), and 1000 Genomes Project. In the ESP, this variant was not observed in 6503 samples (13006 alleles) with coverage at this position. This amino acid position is highly conserved in available vertebrate species. Using the BDGP and ESEfinder splice site prediction tools, this alteration is predicted to weaken the efficiency of the native splice acceptor site; however, direct experimental evidence is unavailable. In addition, this alteration is predicted to be deleterious by in silico analysis. Since supporting evidence is limited at this time, the clinical significance of this alteration remains unclear.

NM_001267550.2(TTN):c.9472G>T (p.Val3158Phe)

Gene: TTN (titin; minus strand). Cytogenetic location: 2q31.2.
Variant type: single nucleotide variant.
Coding change: c.9472G>T on transcript NM_001267550.2 (MANE Select); coding-DNA position 9472, G replaced by T.
Protein change: p.Val3158Phe; replaces valine 3158 with phenylalanine.
Molecular consequence: missense variant.
Genome position (GRCh38, 1-based): chr2:178,766,612, C>A on the plus strand (G>T on the coding strand, the complement: TTN is on the minus strand). VCF-style: chr2-178766612-C-A. GRCh37 (hg19) VCF-style: chr2-179631339-C-A.
Other names: c.9334G>T, p.Val3112Phe (NM_003319.4, NM_133432.3, NM_133437.4); c.9472G>T, p.Val3158Phe (NM_001256850.1, NM_133378.4, NM_133379.5); c.9472G>T (NM_001267550.1); short protein forms V3112F, V3158F.
Identifiers: ClinVar variation 519086 (VCV000519086.8), dbSNP rs748114137, ClinGen allele CA2004306.